The following is an entry in ClinVar:

ClinVar aggregate classification (germline): Uncertain significance (1 of 4 stars; one submission).

gnomAD v4.1: 6 of 1,551,520 alleles (0.00039%); highest among the groups gnomAD compares: East Asian, 0.0024%; no homozygotes.

Submission:

GeneDx
Classification: Uncertain significance. Last evaluated: 2025-07-16. Review status: criteria provided, single submitter. Criteria: GeneDx Variant Classification Process June 2021. Collection method: clinical testing. Allele origin: germline. Affected: yes.
Comment: In silico analysis supports that this missense variant has a deleterious effect on protein structure/function; Not observed at significant frequency in large population cohorts (gnomAD); This variant is associated with the following publications: (PMID: 37124138, 32585897, 34906515, 29100091)

NM_001142966.3(GREB1L):c.5323G>A (p.Asp1775Asn)

Gene: GREB1L (GREB1 like retinoic acid receptor coactivator; plus strand). Cytogenetic location: 18q11.2.
Variant type: single nucleotide variant.
Coding change: c.5323G>A on transcript NM_001142966.3 (MANE Select); coding-DNA position 5323, G replaced by A.
Protein change: p.Asp1775Asn; replaces aspartic acid 1775 with asparagine.
Molecular consequence: missense variant.
Genome position (GRCh38, 1-based): chr18:21,518,085, G>A. VCF-style: chr18-21518085-G-A. GRCh37 (hg19) VCF-style: chr18-19098046-G-A.
Other names: c.5452G>A, p.Asp1818Asn (NM_001410867.1); c.4996G>A, p.Asp1666Asn (NM_001410868.1); short protein forms D1666N, D1775N, D1818N.
Identifiers: ClinVar variation 4686121 (VCV004686121.1).